The following is an entry in ClinVar:

NM_015231.3(NUP160):c.4063A>G (p.Ile1355Val)

Gene: NUP160 (nucleoporin 160; minus strand). Cytogenetic location: 11p11.2.
Variant type: single nucleotide variant.
Coding change: c.4063A>G on transcript NM_015231.3 (MANE Select); coding-DNA position 4063, A replaced by G.
Protein change: p.Ile1355Val; replaces isoleucine 1355 with valine.
Molecular consequence: missense variant. On other transcripts: non-coding transcript variant (1).
Genome position (GRCh38, 1-based): chr11:47,780,399, T>C on the plus strand (A>G on the coding strand, the complement: NUP160 is on the minus strand). VCF-style: chr11-47780399-T-C. GRCh37 (hg19) VCF-style: chr11-47801951-T-C.
Other names: short protein forms I1355V.
Identifiers: ClinVar variation 2352867 (VCV002352867.5), dbSNP rs62000434, ClinGen allele CA5980438.
Genomic context (GRCh38, chr11:47,780,399, plus strand): 5'-TTACTGCGATGTTGTGACTGTTGGCACTGTTCTCTCCCAGAGCTTGGAGAAGCTGATCAA[T>C]AGAGGAGTATGGAAGCCACACCATTGGGGCTGTTGCGGACAGTGGAAACTAAAAGGAAAA-3'
Protein context (NP_056046.2, residues 1345-1365): APMVWLPYSS[Ile1355Val]DQLLQALGEN

ClinVar aggregate classification (germline): Uncertain significance. Review status: criteria provided, multiple submitters, no conflicts (2 of 4 stars). 2 submissions from 2 submitters: Uncertain significance (2). Last evaluated 2024-01-24.

Allele frequency attached by ClinVar (database versions not stated): gnomAD exomes 0.00001; ExAC 0.00002; gnomAD 0.00003; TOPMed 0.00005.
gnomAD v4.1: 17 of 1,613,792 alleles (0.0011%); highest among the groups gnomAD compares: Admixed American, 0.015%; no homozygotes.

Submissions (2):

Labcorp Genetics (formerly Invitae), Labcorp
Classification: Uncertain significance. Last evaluated: 2024-01-24. Review status: criteria provided, single submitter. Criteria: Invitae Variant Classification Sherloc (09022015). Collection method: clinical testing. Allele origin: germline.
Comment: This sequence change replaces isoleucine, which is neutral and non-polar, with valine, which is neutral and non-polar, at codon 1389 of the NUP160 protein (p.Ile1389Val). This variant is present in population databases (rs62000434, gnomAD 0.02%). This variant has not been reported in the literature in individuals affected with NUP160-related conditions. ClinVar contains an entry for this variant (Variation ID: 2352867). An algorithm developed to predict the effect of missense changes on protein structure and function (PolyPhen-2) suggests that this variant is likely to be disruptive. In summary, the available evidence is currently insufficient to determine the role of this variant in disease. Therefore, it has been classified as a Variant of Uncertain Significance.

Ambry Genetics
Classification: Uncertain significance. Last evaluated: 2022-02-11. Review status: criteria provided, single submitter. Criteria: Ambry Variant Classification Scheme 2023. Collection method: clinical testing. Allele origin: germline.